The following is an entry in ClinVar:

ClinVar aggregate classification (germline): Uncertain significance (1 of 4 stars; one submission).

Conditions:
Mucopolysaccharidosis, MPS-III-D (MPS3D). Also called: Mucopoly-saccharidosis type 3D; N-acetylglucosamine-6-sulfate sulfatase deficiency; MPS 3D; MPS IIID (Sanfilippo Syndrome Type D); MUCOPOLYSACCHARIDOSIS, TYPE IIID; N-ACETYLGLUCOSAMINE-6-SULFATASE DEFICIENCY. Identifiers: Orphanet 581, Orphanet 79272, MedGen C0086650, MONDO:0009658, OMIM 252940.

Allele frequency attached by ClinVar (database versions not stated): gnomAD exomes below 0.00001; TOPMed below 0.00001.
gnomAD v4.1: 1 of 1,610,602 alleles (0.000062%); no homozygotes.

Submission:

Labcorp Genetics (formerly Invitae), Labcorp
Classification: Uncertain significance for Mucopolysaccharidosis, MPS-III-D. Last evaluated: 2022-08-15. Review status: criteria provided, single submitter. Criteria: Invitae Variant Classification Sherloc (09022015). Collection method: clinical testing. Allele origin: germline.
Comment: In summary, the available evidence is currently insufficient to determine the role of this variant in disease. Therefore, it has been classified as a Variant of Uncertain Significance. Algorithms developed to predict the effect of missense changes on protein structure and function output the following: SIFT: "Tolerated"; PolyPhen-2: "Benign"; Align-GVGD: "Class C0". The arginine amino acid residue is found in multiple mammalian species, which suggests that this missense change does not adversely affect protein function. ClinVar contains an entry for this variant (Variation ID: 1376257). This variant has not been reported in the literature in individuals affected with GNS-related conditions. This variant is present in population databases (no rsID available, gnomAD 0.003%). This sequence change replaces lysine, which is basic and polar, with arginine, which is basic and polar, at codon 308 of the GNS protein (p.Lys308Arg).

NM_002076.4(GNS):c.923A>G (p.Lys308Arg)

Gene: GNS (glucosamine (N-acetyl)-6-sulfatase; minus strand). Cytogenetic location: 12q14.3.
Variant type: single nucleotide variant.
Coding change: c.923A>G on transcript NM_002076.4 (MANE Select); coding-DNA position 923, A replaced by G.
Protein change: p.Lys308Arg; replaces lysine 308 with arginine.
Molecular consequence: missense variant.
Genome position (GRCh38, 1-based): chr12:64,739,452, T>C on the plus strand (A>G on the coding strand, the complement: GNS is on the minus strand). VCF-style: chr12-64739452-T-C. GRCh37 (hg19) VCF-style: chr12-65133232-T-C.
Other names: short protein forms K308R.
Identifiers: ClinVar variation 1376257 (VCV001376257.8), dbSNP rs1168212943, ClinGen allele CA385607942.
Genomic context (GRCh38, chr12:64,739,452, plus strand): 5'-CCATTGTCTGAGGTATAGAAGATGTAAGTGTTGTTGAGCTCCCCAGTGAACTCCAGCCTC[T>C]TGACCAGTTTCTCCACAAGGTCATCAACTGAGAGGAGAGTTTGCCACCTGGATGTGAACA-3'
Protein context (NP_002067.1, residues 298-318): SVDDLVEKLV[Lys308Arg]RLEFTGELNN